The following is an entry in ClinVar:

NM_001271938.2(MEGF8):c.4289C>T (p.Ala1430Val)

Gene: MEGF8 (multiple EGF like domains 8; plus strand). Cytogenetic location: 19q13.2.
Variant type: single nucleotide variant.
Coding change: c.4289C>T on transcript NM_001271938.2 (MANE Select); coding-DNA position 4289, C replaced by T.
Protein change: p.Ala1430Val; replaces alanine 1430 with valine.
Molecular consequence: missense variant.
Genome position (GRCh38, 1-based): chr19:42,355,902, C>T. VCF-style: chr19-42355902-C-T. GRCh37 (hg19) VCF-style: chr19-42860054-C-T.
Other names: c.4088C>T, p.Ala1363Val (NM_001410.3); short protein forms A1363V, A1430V.
Identifiers: ClinVar variation 1304266 (VCV001304266.2), dbSNP rs777183202, ClinGen allele CA9475224.

ClinVar aggregate classification (germline): Uncertain significance (1 of 4 stars; one submission).

Allele frequency attached by ClinVar (database versions not stated): gnomAD exomes 0.00002 and 0.00010; gnomAD 0.00003; TOPMed 0.00006; ExAC 0.00013.
gnomAD v4.1: 35 of 1,589,342 alleles (0.0022%); highest among the groups gnomAD compares: East Asian, 0.028%; no homozygotes.

Submission:

GeneDx
Classification: Uncertain significance. Last evaluated: 2021-04-29. Review status: criteria provided, single submitter. Criteria: GeneDx Variant Classification Process June 2021. Collection method: clinical testing. Allele origin: germline. Affected: yes.
Comment: In silico analysis supports that this missense variant does not alter protein structure/function; Has not been previously published as pathogenic or benign to our knowledge